The following is an entry in ClinVar:

NM_015631.6(TCTN3):c.1474_1484del (p.Cys492fs)

Gene: TCTN3 (tectonic family member 3; minus strand). Cytogenetic location: 10q24.1.
Variant type: Deletion.
Coding change: c.1474_1484del on transcript NM_015631.6 (MANE Select); coding-DNA positions 1474 to 1484, 11 bases deleted (TGTCTCATACC).
Protein change: p.Cys492fs; shifts the reading frame from cysteine 492.
Molecular consequence: frameshift variant.
Genome position (GRCh38, 1-based): chr10:95,680,578-95,680,588, GGTATGAGACA deleted on the plus strand (TGTCTCATACC on the coding strand, the reverse complement: TCTN3 is on the minus strand); deleting any 11 consecutive bases within chr10:95,680,578-95,680,589 gives the same sequence; the c. name uses the placement nearest the transcript's 3' end. VCF-style (leftmost placement, unchanged base first): chr10-95680577-TGGTATGAGACA-T. GRCh37 (hg19) VCF-style: chr10-97440334-TGGTATGAGACA-T.
Other names: c.1030_1040del, p.Cys344fs (NM_001143973.2); short protein forms C344fs, C492fs.
Identifiers: ClinVar variation 1120097 (VCV001120097.8), dbSNP rs1454064691, ClinGen allele CA670268114.

ClinVar aggregate classification (germline): Uncertain significance. Review status: criteria provided, multiple submitters, no conflicts (2 of 4 stars). 2 submissions from 2 submitters: Uncertain significance (2). Last evaluated 2022-10-13.

Conditions:
Joubert syndrome 18 (JBTS18). Identifiers: Orphanet 2754, MedGen C3553758, MONDO:0013896, OMIM 614815.
Orofacial-digital syndrome IV (OFD4). Also called: BARAITSER-BURN SYNDROME; OFD SYNDROME WITH TIBIAL DEFECTS; OFD SYNDROME, BARAITSER-BURN TYPE; OFDS IV; ORAL-FACIAL-DIGITAL SYNDROME, TYPE IV; Orofaciodigital syndrome IV. Identifiers: Orphanet 2753, MedGen C0406727, MONDO:0009794, OMIM 258860.

Submissions (2):

Labcorp Genetics (formerly Invitae), Labcorp
Classification: Uncertain significance for Joubert syndrome 18; Orofacial-digital syndrome IV. Last evaluated: 2022-10-13. Review status: criteria provided, single submitter. Criteria: Invitae Variant Classification Sherloc (09022015). Collection method: clinical testing. Allele origin: germline.
Comment: This sequence change results in a frameshift in the TCTN3 gene (p.Cys492Serfs*118). While this is not anticipated to result in nonsense mediated decay, it is expected to disrupt the last 116 amino acid(s) of the TCTN3 protein and extend the protein by 1 additional amino acid residues. This variant is not present in population databases (gnomAD no frequency). This variant has not been reported in the literature in individuals affected with TCTN3-related conditions. ClinVar contains an entry for this variant (Variation ID: 1120097). Experimental studies and prediction algorithms are not available or were not evaluated, and the functional significance of this variant is currently unknown. In summary, the available evidence is currently insufficient to determine the role of this variant in disease. Therefore, it has been classified as a Variant of Uncertain Significance.

Laboratory for Molecular Medicine, Mass General Brigham Personalized Medicine
Classification: Uncertain significance. Last evaluated: 2020-06-08. Review status: criteria provided, single submitter. Criteria: LMM Criteria. Collection method: clinical testing. Allele origin: germline. Observed: 1 variant allele.
Comment: Variant classified as Uncertain Significance - Favor Pathogenic. The p.Cys492SerfsX118 variant in TCTN3 has not been reported in individuals with disease and was absent from large population studies. This variant is predicted to cause a frameshift, which alters the proteinâ€™s amino acid sequence beginning at position 494 and leads to a premature termination codon 118 amino acids downstream. This termination codon occurs within the last exon and is, therefore, likely to escape nonsense mediated decay (NMD) and result in a truncated protein. In summary, while there is some suspicion for a pathogenic role, the clinical significance of this variant is uncertain. ACMG/AMP Criteria applied: PM2, PVS1_Moderate.